The following is an entry in ClinVar:

NM_003803.4(MYOM1):c.2877G>T (p.Lys959Asn)

Gene: MYOM1 (myomesin 1; minus strand). Cytogenetic location: 18p11.31.
Variant type: single nucleotide variant.
Coding change: c.2877G>T on transcript NM_003803.4 (MANE Select); coding-DNA position 2877, G replaced by T.
Protein change: p.Lys959Asn; replaces lysine 959 with asparagine.
Molecular consequence: missense variant.
Genome position (GRCh38, 1-based): chr18:3,126,815, C>A on the plus strand (G>T on the coding strand, the complement: MYOM1 is on the minus strand). VCF-style: chr18-3126815-C-A. GRCh37 (hg19) VCF-style: chr18-3126813-C-A.
Other names: c.2589G>T, p.Lys863Asn (NM_019856.2); short protein forms K863N, K959N.
Identifiers: ClinVar variation 1797117 (VCV001797117.2), dbSNP rs755157204, ClinGen allele CA401708550.

ClinVar aggregate classification (germline): Uncertain significance (1 of 4 stars; one submission).

Submission:

Ambry Genetics
Classification: Uncertain significance. Last evaluated: 2022-07-14. Review status: criteria provided, single submitter. Criteria: Ambry Variant Classification Scheme 2023. Collection method: clinical testing. Allele origin: germline.
Comment: The p.K959N variant (also known as c.2877G>T), located in coding exon 18 of the MYOM1 gene, results from a G to T substitution at nucleotide position 2877. The lysine at codon 959 is replaced by asparagine, an amino acid with similar properties. This amino acid position is conserved. In addition, this alteration is predicted to be tolerated by in silico analysis. Since supporting evidence is limited at this time, the clinical significance of this alteration remains unclear.